The following is an entry in ClinVar:

ClinVar aggregate classification (germline): Benign/Likely benign. Review status: criteria provided, multiple submitters, no conflicts (2 of 4 stars). 3 submissions from 3 submitters: Benign (2); Likely benign (1). Last evaluated 2026-06-09.

Conditions:
VPS13C-related disorder. Also called: VPS13C-related condition.

Allele frequency attached by ClinVar (database versions not stated): gnomAD exomes 0.00070 and 0.00219; ExAC 0.00286; gnomAD 0.00804 and 0.00862; 1000 Genomes Project 30x 0.00874; 1000 Genomes Project 0.00919; TOPMed 0.00923; ESP Exome Variant Server 0.00961.
gnomAD v4.1: 2,269 of 1,608,178 alleles (0.14%); highest among the groups gnomAD compares: African/African-American, 2.8%; 30 homozygotes.

Submissions (3):

PreventionGenetics, part of Exact Sciences
Classification: Likely benign for VPS13C-related condition. Last evaluated: 2026-06-09. Review status: criteria provided, single submitter. Criteria: ACMG Guidelines, 2015. Collection method: clinical testing. Allele origin: germline.
Comment: This variant is classified as likely benign based on ACMG/AMP sequence variant interpretation guidelines (Richards et al. 2015 PMID: 25741868, with internal and published modifications).

Labcorp Genetics (formerly Invitae), Labcorp
Classification: Benign. Last evaluated: 2026-01-26. Review status: criteria provided, single submitter. Criteria: Invitae Variant Classification Sherloc (09022015). Collection method: clinical testing. Allele origin: germline.

Breakthrough Genomics
Classification: Benign. Review status: criteria provided, single submitter. Criteria: ACMG Guidelines, 2015. Collection method: not provided. Allele origin: germline. Inheritance: Autosomal recessive inheritance. Affected: yes.

NM_020821.3(VPS13C):c.4453A>G (p.Thr1485Ala)

Gene: VPS13C (vacuolar protein sorting 13 homolog C; minus strand). Cytogenetic location: 15q22.2.
Variant type: single nucleotide variant.
Coding change: c.4453A>G on transcript NM_020821.3 (MANE Select); coding-DNA position 4453, A replaced by G.
Protein change: p.Thr1485Ala; replaces threonine 1485 with alanine.
Molecular consequence: missense variant.
Genome position (GRCh38, 1-based): chr15:61,951,827, T>C on the plus strand (A>G on the coding strand, the complement: VPS13C is on the minus strand). VCF-style: chr15-61951827-T-C. GRCh37 (hg19) VCF-style: chr15-62244026-T-C.
Other names: c.4453A>G, p.Thr1485Ala (NM_001018088.3); c.4324A>G, p.Thr1442Ala (NM_017684.5, NM_018080.4); short protein forms T1485A, T1442A.
Identifiers: ClinVar variation 786271 (VCV000786271.12), dbSNP rs8026956, ClinGen allele CA7596104.